The following is an entry in ClinVar:

NM_213599.3(ANO5):c.841T>C (p.Ser281Pro)

Gene: ANO5 (anoctamin 5; plus strand). Cytogenetic location: 11p14.3.
Variant type: single nucleotide variant.
Coding change: c.841T>C on transcript NM_213599.3 (MANE Select); coding-DNA position 841, T replaced by C.
Protein change: p.Ser281Pro; replaces serine 281 with proline.
Molecular consequence: missense variant.
Genome position (GRCh38, 1-based): chr11:22,239,647, T>C. VCF-style: chr11-22239647-T-C. GRCh37 (hg19) VCF-style: chr11-22261193-T-C.
Other names: c.838T>C, p.Ser280Pro (NM_001142649.2); c.799T>C, p.Ser267Pro (NM_001410963.1); c.796T>C, p.Ser266Pro (NM_001410964.1); short protein forms S280P, S281P, S267P, S266P.
Identifiers: ClinVar variation 2942788 (VCV002942788.3), dbSNP rs2494206736, ClinGen allele CA379920533.

ClinVar aggregate classification (germline): Uncertain significance (1 of 4 stars; one submission).

Conditions:
Gnathodiaphyseal dysplasia (GDD). Also called: GNATHODIAPHYSEAL SCLEROSIS; OSTEOGENESIS IMPERFECTA WITH UNUSUAL SKELETAL LESIONS. Identifiers: Orphanet 53697, MedGen C1833736, MONDO:0008151, OMIM 166260.
Autosomal recessive limb-girdle muscular dystrophy type 2L (LGMDR12). Also called: Limb-girdle muscular dystrophy, type 2L; MUSCULAR DYSTROPHY, LIMB-GIRDLE, AUTOSOMAL RECESSIVE 12; Limb-Girdle Muscular Dystrophy R12 Anoctamin-5-Related (LGMD-R12). Identifiers: Orphanet 206549, MedGen C1969785, MONDO:0012652, OMIM 611307.

Allele frequency attached by ClinVar (database versions not stated): gnomAD exomes below 0.00001.

Submission:

Labcorp Genetics (formerly Invitae), Labcorp
Classification: Uncertain significance for Autosomal recessive limb-girdle muscular dystrophy type 2L; Gnathodiaphyseal dysplasia. Last evaluated: 2023-04-19. Review status: criteria provided, single submitter. Criteria: Invitae Variant Classification Sherloc (09022015). Collection method: clinical testing. Allele origin: germline.
Comment: This variant is not present in population databases (gnomAD no frequency). In summary, the available evidence is currently insufficient to determine the role of this variant in disease. Therefore, it has been classified as a Variant of Uncertain Significance. Advanced modeling of protein sequence and biophysical properties (such as structural, functional, and spatial information, amino acid conservation, physicochemical variation, residue mobility, and thermodynamic stability) performed at Invitae indicates that this missense variant is not expected to disrupt ANO5 protein function. This variant has not been reported in the literature in individuals affected with ANO5-related conditions. This sequence change replaces serine, which is neutral and polar, with proline, which is neutral and non-polar, at codon 281 of the ANO5 protein (p.Ser281Pro).